The following is an entry in ClinVar:

ClinVar aggregate classification (germline): Uncertain significance (1 of 4 stars; one submission).

Conditions:
NOTCH1-related disorder. Also called: NOTCH1-related disorders; NOTCH1-related condition.

Allele frequency attached by ClinVar (database versions not stated): gnomAD exomes below 0.00001.
gnomAD v4.1: 2 of 1,612,796 alleles (0.00012%); highest among the groups gnomAD compares: Non-Finnish European, 0.00017%; no homozygotes.

Submission:

PreventionGenetics, part of Exact Sciences
Classification: Uncertain significance for NOTCH1-related condition. Last evaluated: 2023-05-08. Review status: criteria provided, single submitter. Criteria: ACMG Guidelines, 2015. Collection method: clinical testing. Allele origin: germline.
Comment: The NOTCH1 c.6538A>G variant is predicted to result in the amino acid substitution p.Arg2180Gly. To our knowledge, this variant has not been reported in the literature or in a large population database, indicating this variant is rare. At this time, the clinical significance of this variant is uncertain due to the absence of conclusive functional and genetic evidence.

NM_017617.5(NOTCH1):c.6538A>G (p.Arg2180Gly)

Gene: NOTCH1 (notch receptor 1; minus strand). Cytogenetic location: 9q34.3.
Variant type: single nucleotide variant.
Coding change: c.6538A>G on transcript NM_017617.5 (MANE Select); coding-DNA position 6538, A replaced by G.
Protein change: p.Arg2180Gly; replaces arginine 2180 with glycine.
Molecular consequence: missense variant.
Genome position (GRCh38, 1-based): chr9:136,497,201, T>C on the plus strand (A>G on the coding strand, the complement: NOTCH1 is on the minus strand). VCF-style: chr9-136497201-T-C. GRCh37 (hg19) VCF-style: chr9-139391653-T-C.
Other names: short protein forms R2180G.
Identifiers: ClinVar variation 2632962 (VCV002632962.1), dbSNP rs2540422242, ClinGen allele CA375631356.